The following is an entry in ClinVar:

NM_000760.4(CSF3R):c.2242G>A (p.Asp748Asn)

Gene: CSF3R (colony stimulating factor 3 receptor; minus strand). Cytogenetic location: 1p34.3.
Variant type: single nucleotide variant.
Coding change: c.2242G>A on transcript NM_000760.4 (MANE Select); coding-DNA position 2242, G replaced by A.
Protein change: p.Asp748Asn; replaces aspartic acid 748 with asparagine.
Molecular consequence: missense variant.
Genome position (GRCh38, 1-based): chr1:36,466,626, C>T on the plus strand (G>A on the coding strand, the complement: CSF3R is on the minus strand). VCF-style: chr1-36466626-C-T. GRCh37 (hg19) VCF-style: chr1-36932227-C-T.
Other names: c.2323G>A, p.Asp775Asn (LRG_144t1, NM_156039.3); c.2242G>A, p.Asp748Asn (NM_172313.3); short protein forms D748N, D775N.
Identifiers: ClinVar variation 582331 (VCV000582331.9), dbSNP rs147017250, ClinGen allele CA768920.

ClinVar aggregate classification (germline): Uncertain significance (1 of 4 stars; one submission).

Conditions:
Autosomal recessive severe congenital neutropenia due to CSF3R deficiency. Also called: Neutropenia, severe congenital, 7, autosomal recessive. Identifiers: Orphanet 420702, MedGen C4310764, MONDO:0014865, OMIM 617014.

Allele frequency attached by ClinVar (database versions not stated): gnomAD exomes 0.00007; ExAC 0.00008; ESP Exome Variant Server 0.00008; TOPMed 0.00009; 1000 Genomes Project 30x 0.00016; 1000 Genomes Project 0.00020.
gnomAD v4.1: 58 of 1,614,032 alleles (0.0036%); highest among the groups gnomAD compares: African/African-American, 0.024%; no homozygotes.

Submission:

Labcorp Genetics (formerly Invitae), Labcorp
Classification: Uncertain significance for Autosomal recessive severe congenital neutropenia due to CSF3R deficiency. Last evaluated: 2025-11-15. Review status: criteria provided, single submitter. Criteria: Invitae Variant Classification Sherloc (09022015). Collection method: clinical testing. Allele origin: germline.
Comment: This sequence change replaces aspartic acid, which is acidic and polar, with asparagine, which is neutral and polar, at codon 748 of the CSF3R protein (p.Asp748Asn). This variant is present in population databases (rs147017250, gnomAD 0.02%). This variant has not been reported in the literature in individuals affected with CSF3R-related conditions. ClinVar contains an entry for this variant (Variation ID: 582331). Invitae Evidence Modeling of protein sequence and biophysical properties (such as structural, functional, and spatial information, amino acid conservation, physicochemical variation, residue mobility, and thermodynamic stability) indicates that this missense variant is not expected to disrupt CSF3R protein function with a negative predictive value of 80%. In summary, the available evidence is currently insufficient to determine the role of this variant in disease. Therefore, it has been classified as a Variant of Uncertain Significance.